The following is an entry in ClinVar:

NM_020458.4(TTC7A):c.266T>A (p.Met89Lys)

Gene: TTC7A (tetratricopeptide repeat domain 7A; plus strand). Cytogenetic location: 2p21.
Variant type: single nucleotide variant.
Coding change: c.266T>A on transcript NM_020458.4 (MANE Select); coding-DNA position 266, T replaced by A.
Protein change: p.Met89Lys; replaces methionine 89 with lysine.
Molecular consequence: missense variant. On other transcripts: 5 prime UTR variant (1).
Genome position (GRCh38, 1-based): chr2:46,950,444, T>A. VCF-style: chr2-46950444-T-A. GRCh37 (hg19) VCF-style: chr2-47177583-T-A.
Other names: c.266T>A, p.Met89Lys (LRG_1323t1, NM_001288951.2); c.164T>A, p.Met55Lys (NM_001288953.2); c.-639T>A (NM_001288955.2); c.266T>A (NM_020458.2); short protein forms M55K, M89K.
Identifiers: ClinVar variation 665288 (VCV000665288.9), dbSNP rs755771170, ClinGen allele CA1647075.

ClinVar aggregate classification (germline): Uncertain significance. Review status: criteria provided, multiple submitters, no conflicts (2 of 4 stars). 2 submissions from 2 submitters: Uncertain significance (2). Last evaluated 2025-04-04.

Conditions:
Inborn genetic diseases. Identifiers: MedGen C0950123, MeSH D030342.
Multiple gastrointestinal atresias. Also called: FAMILIAL INTESTINAL POLYATRESIA SYNDROME; Multiple intestinal atresia. Identifiers: Orphanet 2300, MedGen C0220744, MONDO:0009465.

Allele frequency attached by ClinVar (database versions not stated): gnomAD exomes below 0.00001 and 0.00001; ExAC 0.00001.

Submissions (2):

Ambry Genetics
Classification: Uncertain significance for Inborn genetic diseases. Last evaluated: 2025-04-04. Review status: criteria provided, single submitter. Criteria: Ambry Variant Classification Scheme 2023. Collection method: clinical testing. Allele origin: germline.

Labcorp Genetics (formerly Invitae), Labcorp
Classification: Uncertain significance for Multiple gastrointestinal atresias. Last evaluated: 2021-08-24. Review status: criteria provided, single submitter. Criteria: Invitae Variant Classification Sherloc (09022015). Collection method: clinical testing. Allele origin: germline.
Comment: This sequence change replaces methionine with lysine at codon 89 of the TTC7A protein (p.Met89Lys). The methionine residue is weakly conserved and there is a moderate physicochemical difference between methionine and lysine. This variant is present in population databases (rs755771170, ExAC 0.001%). This variant has not been reported in the literature in individuals affected with TTC7A-related conditions. Algorithms developed to predict the effect of missense changes on protein structure and function (SIFT, PolyPhen-2, Align-GVGD) all suggest that this variant is likely to be tolerated. In summary, the available evidence is currently insufficient to determine the role of this variant in disease. Therefore, it has been classified as a Variant of Uncertain Significance.